The following is an entry in ClinVar:

ClinVar aggregate classification (germline): Uncertain significance (1 of 4 stars; one submission).

Conditions:
Neurodevelopmental disorder with impaired language, behavioral abnormalities, and dysmorphic facies (NEDLBF). Identifiers: MedGen C5882686, MONDO:0957588, OMIM 620494.

Submission:

OLLIN Analises Genomicas, OLLIN
Classification: Uncertain significance for Neurodevelopmental disorder with impaired language, behavioral abnormalities, and dysmorphic facies. Last evaluated: 2026-08-06. Review status: criteria provided, single submitter. Criteria: ACMG Guidelines 2015 PMID 25741868. Collection method: clinical testing. Allele origin: germline. Inheritance: Autosomal dominant inheritance.
Comment: This missense variant, located in exon 17 (of 27), is absent from gnomAD and ClinVar and has not been identified in the literature. In silico analysis predicts that this variant has a tolerated effect. According to the currently available evidence, this variant has been classified as uncertain significance (PM2_P, BP4_M).

NM_014847.4(UBAP2L):c.1964C>A (p.Pro655His)

Gene: UBAP2L (ubiquitin associated protein 2 like; plus strand). Cytogenetic location: 1q21.3.
Variant type: single nucleotide variant.
Coding change: c.1964C>A on transcript NM_014847.4 (MANE Select); coding-DNA position 1964, C replaced by A.
Protein change: p.Pro655His; replaces proline 655 with histidine.
Molecular consequence: missense variant.
Genome position (GRCh38, 1-based): chr1:154,255,206, C>A. VCF-style: chr1-154255206-C-A. GRCh37 (hg19) VCF-style: chr1-154227682-C-A.
Other names: c.1964C>A, p.Pro655His (NM_001127320.3, NM_001375614.1, NM_001375615.1 and 14 more transcripts); c.1943C>A, p.Pro648His (NM_001287815.1); c.1997C>A, p.Pro666His (NM_001287816.1, NM_001330730.1, NM_001375612.1 and 2 more transcripts); short protein forms P655H, P666H, P648H.
Identifiers: ClinVar variation 5003145 (VCV005003145.1).